The following is an entry in ClinVar:

ClinVar aggregate classification (germline): Likely benign. Review status: criteria provided, multiple submitters, no conflicts (2 of 4 stars). 2 submissions from 2 submitters: Likely benign (2). Last evaluated 2024-10-23.

Allele frequency attached by ClinVar (database versions not stated): ExAC 0.00001; gnomAD 0.00001; TOPMed 0.00001; gnomAD exomes 0.00002; ESP Exome Variant Server 0.00008.
gnomAD v4.1: 22 of 1,612,960 alleles (0.0014%); highest among the groups gnomAD compares: Admixed American, 0.0017%; no homozygotes.

Submissions (2):

Labcorp Genetics (formerly Invitae), Labcorp
Classification: Likely benign. Last evaluated: 2024-10-23. Review status: criteria provided, single submitter. Criteria: Invitae Variant Classification Sherloc (09022015). Collection method: clinical testing. Allele origin: germline.

GeneDx
Classification: Likely benign. Last evaluated: 2017-06-02. Review status: criteria provided, single submitter. Criteria: GeneDx Variant Classification (06012015). Collection method: clinical testing. Allele origin: germline. Affected: yes.
Comment: This variant is considered likely benign or benign based on one or more of the following criteria: it is a conservative change, it occurs at a poorly conserved position in the protein, it is predicted to be benign by multiple in silico algorithms, and/or has population frequency not consistent with disease.

NM_017827.4(SARS2):c.1347+17C>T

Gene: SARS2 (seryl-tRNA synthetase 2, mitochondrial; minus strand). Cytogenetic location: 19q13.2.
Variant type: single nucleotide variant.
Coding change: c.1347+17C>T on transcript NM_017827.4 (MANE Select); 17 bases into the intron after coding-DNA position 1347, C replaced by T.
Molecular consequence: intron variant.
Genome position (GRCh38, 1-based): chr19:38,916,020, G>A on the plus strand (C>T on the coding strand, the complement: SARS2 is on the minus strand). VCF-style: chr19-38916020-G-A. GRCh37 (hg19) VCF-style: chr19-39406660-G-A.
Other names: c.1353+17C>T (NM_001145901.2).
Identifiers: ClinVar variation 509775 (VCV000509775.3), dbSNP rs373167654, ClinGen allele CA9422769.
Genomic context (GRCh38, chr19:38,916,020, plus strand): 5'-GGAGCCAAGGTGGGTGGGTCTAGGGCGGCAGAGGCTGCGGGCGAGGGCACGCGGGCAGGA[G>A]GCTGTGCGGGCCTCACCGTGTGGGCAAACTGCAGCTCCCCAGCCTCGGTCTGGAACATGA-3'